The following is an entry in ClinVar:

ClinVar aggregate classification (germline): Uncertain significance (1 of 4 stars; one submission).

Conditions:
Tuberous sclerosis 2 (TSC2). Identifiers: Orphanet 805, MedGen C1860707, MONDO:0013199, OMIM 613254.

Submission:

Clinical Genomics Laboratory, Washington University in St. Louis
Classification: Uncertain significance for Tuberous sclerosis 2. Last evaluated: 2024-10-14. Review status: criteria provided, single submitter. Criteria: Leon-Quintero et al. (Clin Genet. 2025). Collection method: clinical testing. Allele origin: somatic.
Comment: A TSC2: c.2098-23_2114del intronic variant was identified at an allelic fraction consistent with somatic origin. This variant, to our knowledge, has not been reported in the medical literature and this variant is absent in the general population (gnomAD v.4.1.0), indicating it is not a common variant. This variant occurs within the canonical splice acceptor site, which is predicted to affect splicing. Due to limited information, and based on internally developed protocol informed by the ACMG/AMP guidelines for variant interpretation (Leon-Quintero FZ et al., PMID: 39434542), the clinical significance of the TSC2: c.2098-23_2114del variant is uncertain at this time.

NM_000548.5(TSC2):c.2098-23_2114del

Gene: TSC2 (TSC complex subunit 2; plus strand). Cytogenetic location: 16p13.3.
Variant type: Deletion.
Coding change: c.2098-23_2114del on transcript NM_000548.5 (MANE Select); 23 bases into the intron before coding-DNA position 2098 through coding-DNA position 2114, 40 bases deleted.
Molecular consequence: splice acceptor variant. On other transcripts: non-coding transcript variant (2).
Genome position (GRCh38, 1-based): chr16:2,072,218-2,072,257, 40 bases deleted; deleting any 40 consecutive bases within chr16:2,072,216-2,072,257 gives the same sequence; the c. name uses the placement nearest the transcript's 3' end. GRCh37 (hg19): chr16:2,122,219-2,122,258.
Other names: c.754-23_770del (NM_001406693.1, NM_001406689.1, NM_001406690.1 and 6 more transcripts); c.2188-23_2204del (NM_001406667.1, NM_001406668.1); c.1498-23_1514del (NM_001406680.1, NM_001406683.1, NM_001406687.1 and 6 more transcripts); c.496-23_512del (NM_001406698.1); c.2098-23_2114del (NM_001114382.3, NM_001406663.1, NM_001406664.1 and 6 more transcripts); c.2086-23_2102del (NM_001406671.1, NM_001406673.1); c.1636-23_1652del (NM_001406681.1); c.1987-23_2003del (NM_001406670.1, NM_001318827.2, NM_001406678.1); and 3 more.
Identifiers: ClinVar variation 3774517 (VCV003774517.1).